The following is an entry in ClinVar:

NM_004369.4(COL6A3):c.3869C>T (p.Ser1290Phe)

Gene: COL6A3 (collagen type VI alpha 3 chain; minus strand). Cytogenetic location: 2q37.3.
Variant type: single nucleotide variant.
Coding change: c.3869C>T on transcript NM_004369.4 (MANE Select); coding-DNA position 3869, C replaced by T.
Protein change: p.Ser1290Phe; replaces serine 1290 with phenylalanine.
Molecular consequence: missense variant.
Genome position (GRCh38, 1-based): chr2:237,372,148, G>A on the plus strand (C>T on the coding strand, the complement: COL6A3 is on the minus strand). VCF-style: chr2-237372148-G-A. GRCh37 (hg19) VCF-style: chr2-238280791-G-A.
Other names: c.2648C>T, p.Ser883Phe (NM_057164.5); c.3251C>T, p.Ser1084Phe (NM_057165.5, NM_057167.4); c.2048C>T, p.Ser683Phe (NM_057166.5); short protein forms S1084F, S683F, S1290F, S883F.
Identifiers: ClinVar variation 5008640 (VCV005008640.1).

ClinVar aggregate classification (germline): Uncertain significance (1 of 4 stars; one submission).

Submission:

GeneDx
Classification: Uncertain significance. Last evaluated: 2026-03-05. Review status: criteria provided, single submitter. Criteria: GeneDx Variant Classification Process June 2021. Collection method: clinical testing. Allele origin: germline.
Comment: Not observed at significant frequency in large population cohorts (gnomAD); In silico analysis supports that this missense variant has a deleterious effect on protein structure/function; Has not been previously published as pathogenic or benign to our knowledge